The following is an entry in ClinVar:

NM_013436.5(NCKAP1):c.1994T>C (p.Met665Thr)

Gene: NCKAP1 (NCK associated protein 1; minus strand). Cytogenetic location: 2q32.1.
Variant type: single nucleotide variant.
Coding change: c.1994T>C on transcript NM_013436.5 (MANE Select); coding-DNA position 1994, T replaced by C.
Protein change: p.Met665Thr; replaces methionine 665 with threonine.
Molecular consequence: missense variant.
Genome position (GRCh38, 1-based): chr2:182,957,484, A>G on the plus strand (T>C on the coding strand, the complement: NCKAP1 is on the minus strand). VCF-style: chr2-182957484-A-G. GRCh37 (hg19) VCF-style: chr2-183822212-A-G.
Other names: c.2012T>C, p.Met671Thr (NM_205842.3); short protein forms M665T, M671T.
Identifiers: ClinVar variation 3182309 (VCV003182309.1), dbSNP rs2468595296, ClinGen allele CA349758585.
Genomic context (GRCh38, chr2:182,957,484, plus strand): 5'-GAGCAAAAAGGTATAATATAAGTGGATACTTACTTGGTCACAACCAGCCTGTTTTTCCTC[A>G]TGCTCTCAACACCTGGTTTCTCCCTTTCAGGTTCCCCTTTCTTACCAGTCTGCTTTTTTG-3'
Protein context (NP_038464.1, residues 655-675): PEREKPGVES[Met665Thr]RKNRLVVTNL

ClinVar aggregate classification (germline): Uncertain significance (1 of 4 stars; one submission).

Conditions:
Inborn genetic diseases. Identifiers: MedGen C0950123, MeSH D030342.

Submission:

Ambry Genetics
Classification: Uncertain significance for Inborn genetic diseases. Last evaluated: 2024-02-01. Review status: criteria provided, single submitter. Criteria: Ambry Variant Classification Scheme 2023. Collection method: clinical testing. Allele origin: germline.
Comment: The c.2012T>C (p.M671T) alteration is located in exon 20 (coding exon 20) of the NCKAP1 gene. This alteration results from a T to C substitution at nucleotide position 2012, causing the methionine (M) at amino acid position 671 to be replaced by a threonine (T). This variant was not reported in population-based cohorts in the Genome Aggregation Database (gnomAD). This amino acid position is highly conserved in available vertebrate species. This missense alteration is located in a region that has a low rate of benign missense variation (Lek, 2016; Firth, 2009). The in silico prediction for this alteration is inconclusive. Based on insufficient or conflicting evidence, the clinical significance of this alteration remains unclear.